The following is an entry in ClinVar:

ClinVar aggregate classification (germline): Likely pathogenic (1 of 4 stars; one submission).

Conditions:
Familial hemophagocytic lymphohistiocytosis (FHL). Also called: Familial erythrophagocytic lymphohistiocytosis; Familial histiocytic reticulosis; Hereditary hemophagocytic lymphohistiocytosis. Identifiers: Orphanet 158038, Orphanet 540, MedGen C0272199, MONDO:0015541.

Submission:

Women's Health and Genetics/Laboratory Corporation of America, LabCorp
Classification: Likely pathogenic for Familial hemophagocytic lymphohistiocytosis. Last evaluated: 2022-12-30. Review status: criteria provided, single submitter. Criteria: LabCorp Variant Classification Summary - May 2015. Collection method: clinical testing. Allele origin: germline.
Comment: Variant summary: STX11 c.822delC (p.Cys275AlafsX75) causes a frameshift which results in an extension of the protein. Other variants causing longer extensions of the protein (e.g. p.Trp186ValfsX169, p.Ser190PhefsX165, p.Glu226LeufsX127, p.Gln230AlafsX125) have been cited in ClinVar and HGMD as pathogenic/disease-associated and have been reported in patients. The variant was absent in 247622 control chromosomes. To our knowledge, no occurrence of c.822delC in individuals affected with Familial Hemophagocytic Lymphohistiocytosis and no experimental evidence demonstrating its impact on protein function have been reported. No clinical diagnostic laboratories have submitted clinical-significance assessments for this variant to ClinVar after 2014. Based on the evidence outlined above, the variant was classified as likely pathogenic.

NM_003764.4(STX11):c.822del (p.Cys275fs)

Gene: STX11 (syntaxin 11; plus strand). Cytogenetic location: 6q24.2.
Variant type: Deletion.
Coding change: c.822del on transcript NM_003764.4 (MANE Select); coding-DNA position 822, one base deleted (C; older notation c.822delC).
Protein change: p.Cys275fs; shifts the reading frame from cysteine 275.
Molecular consequence: frameshift variant.
Genome position (GRCh38, 1-based): chr6:144,187,449, C deleted; the last of 4 consecutive C bases (chr6:144,187,446-144,187,449); deleting any one gives the same sequence. VCF-style (leftmost placement, unchanged base first): chr6-144187445-AC-A. GRCh37 (hg19) VCF-style: chr6-144508582-AC-A.
Other names: short protein forms C275fs.
Identifiers: ClinVar variation 1878417 (VCV001878417.1), dbSNP rs2533806916, ClinGen allele CA2580075174.